The following is an entry in ClinVar:

ClinVar aggregate classification (germline): Uncertain significance (1 of 4 stars; one submission).

Conditions:
Familial melanoma. Also called: Hereditary melanoma; Hereditary cutaneous melanoma. Identifiers: Orphanet 618, MedGen C1512419, MONDO:0018961.

Submission:

Labcorp Genetics (formerly Invitae), Labcorp
Classification: Uncertain significance for Familial melanoma. Last evaluated: 2023-04-07. Review status: criteria provided, single submitter. Criteria: Invitae Variant Classification Sherloc (09022015). Collection method: clinical testing. Allele origin: germline.
Comment: In summary, the available evidence is currently insufficient to determine the role of this variant in disease. Therefore, it has been classified as a Variant of Uncertain Significance. An algorithm developed to predict the effect of missense changes on protein structure and function (PolyPhen-2) suggests that this variant is likely to be tolerated. ClinVar contains an entry for this variant (Variation ID: 1362170). This variant has not been reported in the literature in individuals affected with CDKN2A (p16INK4a)-related conditions. This variant is not present in population databases (gnomAD no frequency). This sequence change replaces alanine, which is neutral and non-polar, with threonine, which is neutral and polar, at codon 132 of the CDKN2A (p16INK4a) protein (p.Ala132Thr).

NM_000077.5(CDKN2A):c.394G>A (p.Ala132Thr)

Gene: CDKN2A (cyclin dependent kinase inhibitor 2A; minus strand). Cytogenetic location: 9p21.3.
Variant type: single nucleotide variant.
Coding change: c.394G>A on transcript NM_000077.5; coding-DNA position 394, G replaced by A.
Protein change: p.Ala132Thr; replaces alanine 132 with threonine.
Molecular consequence: missense variant (on NM_000077.6). On other transcripts: 3 prime UTR variant (2).
Genome position (GRCh38, 1-based): chr9:21,970,965, C>T on the plus strand (G>A on the coding strand, the complement: CDKN2A is on the minus strand). VCF-style: chr9-21970965-C-T. GRCh37 (hg19) VCF-style: chr9-21970964-C-T.
Other names: c.394G>A, p.Ala132Thr (NM_000077.6, NM_001195132.2); c.241G>A, p.Ala81Thr (NM_001363763.2); c.*38G>A (NM_058195.4); c.*317G>A (NM_058197.5); short protein forms A81T, A132T.
Identifiers: ClinVar variation 1362170 (VCV001362170.8), dbSNP rs2131092506, ClinGen allele CA373085924.